The following is an entry in ClinVar:

ClinVar aggregate classification (germline): Uncertain significance. Review status: criteria provided, multiple submitters, no conflicts (2 of 4 stars). 2 submissions from 2 submitters: Uncertain significance (2). Last evaluated 2025-07-15.

Conditions:
Inborn genetic diseases. Identifiers: MedGen C0950123, MeSH D030342.

Allele frequency attached by ClinVar (database versions not stated): ExAC 0.00007; gnomAD 0.00012 and 0.00013; TOPMed 0.00015; ESP Exome Variant Server 0.00023; gnomAD exomes 0.00006.
gnomAD v4.1: 41 of 1,613,676 alleles (0.0025%); highest among the groups gnomAD compares: African/African-American, 0.037%; no homozygotes.

Submissions (2):

Ambry Genetics
Classification: Uncertain significance for Inborn genetic diseases. Last evaluated: 2025-07-15. Review status: criteria provided, single submitter. Criteria: Ambry Variant Classification Scheme 2023. Collection method: clinical testing. Allele origin: germline.

Laboratory for Molecular Medicine, Mass General Brigham Personalized Medicine
Classification: Uncertain significance. Last evaluated: 2017-03-31. Review status: criteria provided, single submitter. Criteria: LMM Criteria. Collection method: clinical testing. Allele origin: germline. Observed: 1 variant allele.
Comment: The p.Lys872Asn variant in MYO6 has not been previously reported in individuals with hearing loss, but has been identified in 7/10324 African chromosomes by the Exome Aggregation Consortium (ExAC; dbSNP rs139 542573). Although this variant has been seen in the general population, its freq uency is not high enough to rule out a pathogenic role. Lysine (Lys) at position 872 is not conserved in mammals or evolutionarily distant species, raising the possibility that a change at this position may be tolerated. Additional computa tional prediction tools suggest that the p.Lys872Asn variant may not impact the protein, though this information is not predictive enough to rule out pathogenic ity. In summary, the clinical significance of the p.Lys872Asn variant is uncerta in.

NM_004999.4(MYO6):c.2616G>T (p.Lys872Asn)

Gene: MYO6 (myosin VI; plus strand). Cytogenetic location: 6q14.1.
Variant type: single nucleotide variant.
Coding change: c.2616G>T on transcript NM_004999.4 (MANE Select); coding-DNA position 2616, G replaced by T.
Protein change: p.Lys872Asn; replaces lysine 872 with asparagine.
Molecular consequence: missense variant. On other transcripts: non-coding transcript variant (1).
Genome position (GRCh38, 1-based): chr6:75,886,952, G>T. VCF-style: chr6-75886952-G-T. GRCh37 (hg19) VCF-style: chr6-76596669-G-T.
Other names: c.2616G>T, p.Lys872Asn (NM_001300899.2, NM_001368136.1, NM_001368137.1 and 2 more transcripts); c.2601G>T, p.Lys867Asn (NM_001368138.1); short protein forms K872N, K867N.
Identifiers: ClinVar variation 504643 (VCV000504643.5), dbSNP rs139542573, ClinGen allele CA3897409.